The following is an entry in ClinVar:

ClinVar aggregate classification (germline): Uncertain significance (1 of 4 stars; one submission).

Allele frequency attached by ClinVar (database versions not stated): gnomAD exomes below 0.00001.

Submission:

Labcorp Genetics (formerly Invitae), Labcorp
Classification: Uncertain significance. Last evaluated: 2021-05-11. Review status: criteria provided, single submitter. Criteria: Invitae Variant Classification Sherloc (09022015). Collection method: clinical testing. Allele origin: germline.
Comment: In summary, the available evidence is currently insufficient to determine the role of this variant in disease. Therefore, it has been classified as a Variant of Uncertain Significance. Algorithms developed to predict the effect of missense changes on protein structure and function (SIFT, PolyPhen-2, Align-GVGD) all suggest that this variant is likely to be tolerated, but these predictions have not been confirmed by published functional studies and their clinical significance is uncertain. This variant has not been reported in the literature in individuals with CDC6-related conditions. This variant is not present in population databases (ExAC no frequency). This sequence change replaces isoleucine with valine at codon 518 of the CDC6 protein (p.Ile518Val). The isoleucine residue is moderately conserved and there is a small physicochemical difference between isoleucine and valine.

NM_001254.4(CDC6):c.1552A>G (p.Ile518Val)

Gene: CDC6 (cell division cycle 6; plus strand). Cytogenetic location: 17q21.2.
Variant type: single nucleotide variant.
Coding change: c.1552A>G on transcript NM_001254.4 (MANE Select); coding-DNA position 1552, A replaced by G.
Protein change: p.Ile518Val; replaces isoleucine 518 with valine.
Molecular consequence: missense variant.
Genome position (GRCh38, 1-based): chr17:40,301,567, A>G. VCF-style: chr17-40301567-A-G. GRCh37 (hg19) VCF-style: chr17-38457819-A-G.
Other names: short protein forms I518V.
Identifiers: ClinVar variation 1445846 (VCV001445846.8), dbSNP rs2143113843, ClinGen allele CA399336194.